The following is an entry in ClinVar:

NM_000186.4(CFH):c.351-4dup

Gene: CFH (complement factor H; plus strand). Cytogenetic location: 1q31.3.
Variant type: Duplication.
Coding change: c.351-4dup on transcript NM_000186.4 (MANE Select); 4 bases into the intron before coding-DNA position 351, one base duplicated (T; older notation c.351-4dupT).
Molecular consequence: intron variant.
Genome position (GRCh38, 1-based): chr1:196,675,985, T duplicated; the last of 4 consecutive T bases (chr1:196,675,982-196,675,985); duplicating any one gives the same sequence. VCF-style (leftmost placement, unchanged base first): chr1-196675981-G-GT. GRCh37 (hg19) VCF-style: chr1-196645111-G-GT.
Other names: c.351-4dup (NM_001014975.3).
Identifiers: ClinVar variation 4291676 (VCV004291676.1).

ClinVar aggregate classification (germline): Uncertain significance (1 of 4 stars; one submission).

Conditions:
Atypical hemolytic-uremic syndrome. Identifiers: Orphanet 2134, MedGen C2931788, MONDO:0016244.

Submission:

Genomenon, Inc
Classification: Uncertain significance for Atypical hemolytic-uremic syndrome. Last evaluated: 2025-10-02. Review status: criteria provided, single submitter. Criteria: Genomenon Sequence Variant Interpretation Standards - Updated. Collection method: curation. Allele origin: germline. Affected: yes.
Comment: CFH c.351-4dup is a duplication variant located in the splice acceptor region of intron 3. This variant has been observed in at least one proband affected with atypical hemolytic-uremic syndrome (PMID:27268256). It is absent or not present at a significant frequency in gnomAD. In conclusion, we classify CFH c.351-4dup as a variant of uncertain significance.

Literature cited by the submitters: PubMed 27268256.